The following is an entry in ClinVar:

NM_000083.3(CLCN1):c.937G>A (p.Ala313Thr)

Gene: CLCN1 (chloride voltage-gated channel 1; plus strand). Cytogenetic location: 7q34.
Variant type: single nucleotide variant.
Coding change: c.937G>A on transcript NM_000083.3 (MANE Select); coding-DNA position 937, G replaced by A.
Protein change: p.Ala313Thr; replaces alanine 313 with threonine.
Molecular consequence: missense variant. On other transcripts: non-coding transcript variant (1).
Genome position (GRCh38, 1-based): chr7:143,330,855, G>A. VCF-style: chr7-143330855-G-A. GRCh37 (hg19) VCF-style: chr7-143027948-G-A.
Other names: short protein forms A313T.
Identifiers: ClinVar variation 21052 (VCV000021052.68), dbSNP rs80356692, ClinGen allele CA341561.

ClinVar aggregate classification (germline): Pathogenic/Likely pathogenic. Review status: criteria provided, multiple submitters, no conflicts (2 of 4 stars). 12 submissions from 12 submitters: Pathogenic (11); Likely pathogenic (1). Last evaluated 2025-12-06.

Conditions:
CLCN1-related disorder. Also called: CLCN1-related condition.
Congenital myotonia, autosomal recessive form. Also called: myotonia congenita, autosomal recessive; BECKER DISEASE; Becker Generalized Myotonia. Identifiers: Orphanet 614, MedGen C0751360, MONDO:0009715, OMIM 255700.
Congenital myotonia, autosomal dominant form (THD). Also called: Myotonia congenita autosomal dominant; THOMSEN DISEASE. Identifiers: Orphanet 614, MedGen C2936781, MONDO:0008055, OMIM 160800.

Allele frequency attached by ClinVar (database versions not stated): gnomAD exomes below 0.00001; gnomAD 0.00001; TOPMed 0.00001.

Submissions (12):

Labcorp Genetics (formerly Invitae), Labcorp
Classification: Pathogenic for Congenital myotonia, autosomal recessive form; Congenital myotonia, autosomal dominant form. Last evaluated: 2025-12-06. Review status: criteria provided, single submitter. Criteria: Invitae Variant Classification Sherloc (09022015). Collection method: clinical testing. Allele origin: germline.
Comment: This sequence change replaces alanine, which is neutral and non-polar, with threonine, which is neutral and polar, at codon 313 of the CLCN1 protein (p.Ala313Thr). This variant is present in population databases (rs80356692, gnomAD 0.0009%). This missense change has been observed in individuals with autosomal dominant and autosomal recessive myotonia congenita (PMID: 17654559, 17932099, 23225051, 23893571). It has also been observed to segregate with disease in related individuals. This variant is also known as c.1024G>A. ClinVar contains an entry for this variant (Variation ID: 21052). Invitae Evidence Modeling of protein sequence and biophysical properties (such as structural, functional, and spatial information, amino acid conservation, physicochemical variation, residue mobility, and thermodynamic stability) indicates that this missense variant is expected to disrupt CLCN1 protein function with a positive predictive value of 95%. Experimental studies have shown that this missense change affects CLCN1 function (PMID: 9736777). For these reasons, this variant has been classified as Pathogenic.

Fulgent Genetics
Classification: Pathogenic for Congenital myotonia, autosomal dominant form; Congenital myotonia, autosomal recessive form. Last evaluated: 2024-04-10. Review status: criteria provided, single submitter. Criteria: ACMG Guidelines, 2015. Collection method: clinical testing. Allele origin: germline.

Laboratory of Medical Genetics, National & Kapodistrian University of Athens
Classification: Pathogenic for Congenital myotonia, autosomal dominant form. Last evaluated: 2024-02-20. Review status: criteria provided, single submitter. Criteria: ACMG Guidelines, 2015. Collection method: clinical testing. Allele origin: germline. Affected: yes.

Athena Diagnostics
Classification: Pathogenic. Last evaluated: 2023-05-05. Review status: criteria provided, single submitter. Criteria: Athena Diagnostics Criteria. Collection method: clinical testing. Allele origin: unknown.
Comment: The frequency of this variant in the general population is consistent with pathogenicity (Genome Aggregation Database (gnomAD), Cambridge, MA (URL)). This variant is associated with autosomal dominant myotonia congenita in most families (PMID: 9566422, 17932099, 23893571, 24037712,31970219), however, it has been associated with autosomal recessive myotonia congenita in at least one family (PMID: 9566422, 23893571). At least one other missense variant at this codon is considered to be pathogenic or likely pathogenic, suggesting this variant may also cause disease. Assessment of experimental evidence suggests this variant results in abnormal protein function. This variant leads to decrease in current at physiologic voltages due to a positive shift in the voltage dependence of activation (PMID: 9736777, 17042925, 11408615).

Institute of Immunology and Genetics Kaiserslautern
Classification: Pathogenic for Congenital myotonia, autosomal dominant form. Last evaluated: 2022-12-06. Review status: criteria provided, single submitter. Criteria: ACMG Guidelines, 2015. Collection method: clinical testing. Allele origin: germline. Affected: yes.
Comment: ACMG Criteria: PS3, PM1, PM2_P, PM5, PP3, PP5; Variant was found in heterozygous state.

MGZ Medical Genetics Center
Classification: Pathogenic for Congenital myotonia, autosomal recessive form. Last evaluated: 2021-12-22. Review status: criteria provided, single submitter. Criteria: ACMG Guidelines, 2015. Collection method: clinical testing. Allele origin: germline. Affected: yes. Observed: 1 variant allele.
Comment: ACMG criteria applied: PS3, PS4, PM3, PM2_SUP, PP1, PP3

GeneDx
Classification: Pathogenic. Last evaluated: 2021-07-13. Review status: criteria provided, single submitter. Criteria: GeneDx Variant Classification Process June 2021. Collection method: clinical testing. Allele origin: germline. Affected: yes.
Comment: Published functional studies demonstrate a damaging effect resulting in a positive voltage shift that creates a dominant negative effect on wild type channels and decrease in maximal amplitude (Kubisch et al., 1998; Tan et al., 2014); Not observed at significant frequency in large population cohorts (Lek et al., 2016); In silico analysis supports that this missense variant has a deleterious effect on protein structure/function; This variant is associated with the following publications: (PMID: 9736777, 23893571, 31589614, 29896741, 27535533, 32670189, 28427807, 9566422, 23820649, 12163078, 24037712, 12566541, 15786415, 17042925, 16786525, 15389891, 10533075, 17654559, 24349310, 17932099, 23113340, 19697366, 11408615, 11933197, 23225051)

Blueprint Genetics
Classification: Pathogenic for CLCN1-related disorders. Last evaluated: 2021-06-07. Review status: criteria provided, single submitter. Criteria: ACMG Guidelines, 2015. Collection method: clinical testing. Allele origin: germline. Affected: yes. Observed: 3 variant alleles.

CeGaT Center for Human Genetics Tuebingen
Classification: Pathogenic. Last evaluated: 2020-09-01. Review status: criteria provided, single submitter. Criteria: CeGaT Center For Human Genetics Tuebingen Variant Classification Criteria Version 2. Collection method: clinical testing. Allele origin: germline. Affected: yes. Observed: 4 variant alleles.

Revvity Omics, Revvity
Classification: Pathogenic. Last evaluated: 2019-04-23. Review status: criteria provided, single submitter. Criteria: ACMG Guidelines, 2015. Collection method: clinical testing. Allele origin: germline.

Center for Pediatric Genomic Medicine, Children's Mercy Hospital and Clinics
Classification: Pathogenic. Last evaluated: 2016-05-09. Review status: criteria provided, single submitter. Criteria: ACMG Guidelines, 2015. Collection method: clinical testing. Allele origin: germline.

Centre for Mendelian Genomics, University Medical Centre Ljubljana
Classification: Likely pathogenic for Congenital myotonia, autosomal recessive form. Last evaluated: 2016-01-01. Review status: criteria provided, single submitter. Criteria: ACMG Guidelines, 2015. Collection method: clinical testing. Allele origin: unknown. Affected: yes.
Comment: This variant was classified as: Likely pathogenic. The following ACMG criteria were applied in classifying this variant: PS1,PP2,PP3.

Literature cited by the submitters: PubMed 17654559 (cited by Labcorp Genetics (formerly Invitae), Labcorp and Athena Diagnostics); PubMed 17932099 (cited by Labcorp Genetics (formerly Invitae), Labcorp and Athena Diagnostics); PubMed 23225051 (cited by Labcorp Genetics (formerly Invitae), Labcorp); PubMed 23893571 (cited by Labcorp Genetics (formerly Invitae), Labcorp and Athena Diagnostics); PubMed 9736777 (cited by Labcorp Genetics (formerly Invitae), Labcorp and Athena Diagnostics); PubMed 31970219 (cited by Athena Diagnostics); PubMed 35170402 (cited by Athena Diagnostics); PubMed 24037712 (cited by Athena Diagnostics); PubMed 23113340 (cited by Athena Diagnostics); PubMed 11840191 (cited by Athena Diagnostics); PubMed 19697366 (cited by Athena Diagnostics); PubMed 10533075 (cited by Athena Diagnostics); PubMed 18816629 (cited by Athena Diagnostics); PubMed 24349310 (cited by Athena Diagnostics); PubMed 28427807 (cited by Athena Diagnostics); PubMed 10619717 (cited by Athena Diagnostics); PubMed 29606556 (cited by Athena Diagnostics); PubMed 17042925 (cited by Athena Diagnostics); PubMed 11408615 (cited by Athena Diagnostics); PubMed 9566422 (cited by Athena Diagnostics).